The following is an entry in ClinVar:

NM_005633.4(SOS1):c.2064-20A>T

Gene: SOS1 (SOS Ras/Rac guanine nucleotide exchange factor 1; minus strand). Cytogenetic location: 2p22.1.
Variant type: single nucleotide variant.
Coding change: c.2064-20A>T on transcript NM_005633.4 (MANE Select); 20 bases into the intron before coding-DNA position 2064, A replaced by T.
Molecular consequence: intron variant.
Genome position (GRCh38, 1-based): chr2:39,013,583, T>A on the plus strand (A>T on the coding strand, the complement: SOS1 is on the minus strand). VCF-style: chr2-39013583-T-A. GRCh37 (hg19) VCF-style: chr2-39240724-T-A.
Other names: c.2043-20A>T (NM_001382394.1); c.2064-20A>T (NM_001382395.1).
Identifiers: ClinVar variation 511315 (VCV000511315.9), dbSNP rs756707478, ClinGen allele CA1624469.
Genomic context (GRCh38, chr2:39,013,583, plus strand): 5'-AGAAGTGGTGCTCTACCCAGTGCCGACATACATTTAATACTCTATGGCATTAACACAGAA[T>A]TGAATTACATGGGAATCAAACATAAATGTTTATCACAATGCACAGTACAATACAAATGAA-3'

ClinVar aggregate classification (germline): Likely benign. Review status: criteria provided, multiple submitters, no conflicts (2 of 4 stars). 4 submissions from 3 submitters: Likely benign (4). Last evaluated 2026-01-04.

Conditions:
RASopathy. Also called: Noonan spectrum disorder; rasopathies. Identifiers: Orphanet 536391, MedGen C5555857, MONDO:0021060.
Noonan syndrome 4 (NS4). Also called: SOS1-Related Noonan Syndrome; NOONAN SYNDROME WITH PIGMENTED VILLONODULAR SYNOVITIS. Identifiers: Orphanet 648, MedGen C1853120, MONDO:0012547, OMIM 610733.
Fibromatosis, gingival, 1 (GINGF1). Identifiers: Orphanet 2024, MedGen C4551558, MONDO:0007609, OMIM 135300.

Allele frequency attached by ClinVar (database versions not stated): TOPMed 0.00003.

Submissions (4):

Labcorp Genetics (formerly Invitae), Labcorp
Classification: Likely benign for RASopathy. Last evaluated: 2026-01-04. Review status: criteria provided, single submitter. Criteria: Invitae Variant Classification Sherloc (09022015). Collection method: clinical testing. Allele origin: germline.

GeneDx
Classification: Likely benign. Last evaluated: 2017-08-04. Review status: criteria provided, single submitter. Criteria: GeneDx Variant Classification (06012015). Collection method: clinical testing. Allele origin: germline. Affected: yes.
Comment: This variant is considered likely benign or benign based on one or more of the following criteria: it is a conservative change, it occurs at a poorly conserved position in the protein, it is predicted to be benign by multiple in silico algorithms, and/or has population frequency not consistent with disease.

Genome-Nilou Lab
Classification: Likely benign for Noonan syndrome 4. Review status: criteria provided, single submitter. Criteria: ACMG Guidelines, 2015. Collection method: clinical testing. Allele origin: germline.

Genome-Nilou Lab
Classification: Likely benign for Fibromatosis, gingival, 1. Review status: criteria provided, single submitter. Criteria: ACMG Guidelines, 2015. Collection method: clinical testing. Allele origin: germline.